The following is an entry in ClinVar:

ClinVar aggregate classification (germline): Uncertain significance (1 of 4 stars; one submission).

Allele frequency attached by ClinVar (database versions not stated): gnomAD exomes 0.00001; TOPMed 0.00002; ExAC 0.00003; gnomAD 0.00003.
gnomAD v4.1: 23 of 1,613,240 alleles (0.0014%); highest among the groups gnomAD compares: East Asian, 0.0022%; no homozygotes.

Submission:

Ambry Genetics
Classification: Uncertain significance. Last evaluated: 2023-08-28. Review status: criteria provided, single submitter. Criteria: Ambry Variant Classification Scheme 2023. Collection method: clinical testing. Allele origin: germline.
Comment: The c.1778G>A (p.R593Q) alteration is located in exon (coding exon ) of the SH3RF3 gene. This alteration results from a G to A substitution at nucleotide position 1778, causing the arginine (R) at amino acid position 593 to be replaced by a glutamine (Q). Based on insufficient or conflicting evidence, the clinical significance of this alteration remains unclear.

NM_001099289.3(SH3RF3):c.1778G>A (p.Arg593Gln)

Genes: RANBP2 (RAN binding protein 2; plus strand), SH3RF3 (SH3 domain containing ring finger 3; plus strand). Cytogenetic location: 2q13.
Variant type: single nucleotide variant.
Coding change: c.1778G>A on transcript NM_001099289.3 (MANE Select); coding-DNA position 1778, G replaced by A.
Protein change: p.Arg593Gln; replaces arginine 593 with glutamine.
Molecular consequence: missense variant.
Genome position (GRCh38, 1-based): chr2:109,437,096, G>A. VCF-style: chr2-109437096-G-A. GRCh37 (hg19) VCF-style: chr2-110053552-G-A.
Other names: short protein forms R593Q.
Identifiers: ClinVar variation 2622072 (VCV002622072.2), dbSNP rs751279268, ClinGen allele CA1825746.
Genomic context (GRCh38, chr2:109,437,096, plus strand): 5'-CCACTCCCCAGGCCCACGCCCAGCACCCCACAGCCTCGCCCCCAACAGGCAGCTGTCTAC[G>A]GCACTCAGCCCAGCCAACGGCCAGCCAAGCCCGGAGCACCATTTCAACAGGTACCTTCAC-3'
Protein context (NP_001092759.1, residues 583-603): TASPPTGSCL[Arg593Gln]HSAQPTASQA